The following is an entry in ClinVar:

ClinVar aggregate classification (germline): Pathogenic. Review status: criteria provided, multiple submitters, no conflicts (2 of 4 stars). 2 submissions from 2 submitters: Pathogenic (2). Last evaluated 2025-11-24.

Conditions:
Familial cancer of breast. Also called: hereditary breast carcinoma; BREAST CANCER, FAMILIAL; Hereditary breast cancer. Identifiers: Orphanet 227535, MedGen C0346153, MONDO:0016419, OMIM 114480. Disease mechanism: loss of function.
Fanconi anemia complementation group J. Also called: BRIP1-Related Fanconi Anemia. Identifiers: Orphanet 84, MedGen C1836860, MONDO:0012187, OMIM 609054.

Submissions (2):

Labcorp Genetics (formerly Invitae), Labcorp
Classification: Pathogenic for Familial cancer of breast; Fanconi anemia complementation group J. Last evaluated: 2025-11-24. Review status: criteria provided, single submitter. Criteria: Invitae Variant Classification Sherloc (09022015). Collection method: clinical testing. Allele origin: germline.
Comment: This sequence change creates a premature translational stop signal (p.Lys752Metfs*6) in the BRIP1 gene. It is expected to result in an absent or disrupted protein product. Loss-of-function variants in BRIP1 are known to be pathogenic (PMID: 16116423, 17033622, 21964575). This variant is not present in population databases (gnomAD no frequency). This variant has not been reported in the literature in individuals affected with BRIP1-related conditions. ClinVar contains an entry for this variant (Variation ID: 2502277). Algorithms developed to predict the effect of sequence changes on RNA splicing suggest that this variant may disrupt the consensus splice site. For these reasons, this variant has been classified as Pathogenic.

KCCC/NGS Laboratory, Kuwait Cancer Control Center
Classification: Pathogenic for Familial cancer of breast. Last evaluated: 2023-05-16. Review status: criteria provided, single submitter. Criteria: ACMG Guidelines, 2015. Collection method: clinical testing. Allele origin: unknown. Inheritance: Autosomal dominant inheritance. Affected: yes. Observed: 1 heterozygote.
Comment: A  pathogenic mutation was detected in the BRIP1 gene (p.Lys752fs).This sequence change creates a premature translational stop signal (p.Lys752fs) in the BRIP1 gene. This variant is not  present in population databases (gnomAD) nor in our local database . It is expected to result in an absent or disrupted protein product. This alteration is expected to result in loss of function by premature protein truncation or nonsense-mediated mRNA decay. This variant has not been reported in the literature in individuals with BRIP1-related conditions. ClinVar contains an entry for c.2253_2254del (p.Lys752fs)  variant (Variation ID: 628733) which change same residual and classified as pathogenic which observed in individual(s) with ovarian cancer or breast cancer and Fanconi anemia (PMID: 16116423, 26315354, 26681312, 26681682, 26976419). Also ClinVar contains an entry for c.2253_2254del (p.Lys752fs) variant (Variation ID: 182372) classified as pathogenic. Loss-of-function variants in BRIP1 are known to be pathogenic (PMID: 16116423, 17033622, 21964575). For these reasons, this variant has been classified as Pathogenic. This variant was confirmed by Sanger sequencing .

Literature cited by the submitters: PubMed 16116423 (cited by Labcorp Genetics (formerly Invitae), Labcorp); PubMed 17033622 (cited by Labcorp Genetics (formerly Invitae), Labcorp); PubMed 21964575 (cited by Labcorp Genetics (formerly Invitae), Labcorp).

NM_032043.3(BRIP1):c.2252_2255delAGAA (p.Lys752fs)

Gene: BRIP1 (BRCA1 interacting DNA helicase 1; minus strand). Cytogenetic location: 17q23.2.
Variant type: Deletion.
Coding change: c.2252_2255delAGAA on transcript NM_032043.3 (MANE Select); coding-DNA positions 2252 to 2255, AGAA deleted.
Protein change: p.Lys752fs; shifts the reading frame from lysine 752.
Molecular consequence: frameshift variant.
Genome position: GRCh38 VCF-style: chr17-61744431-CCTTT-C. GRCh37 (hg19) VCF-style: chr17-59821792-CCTTT-C.
Other names: c.2254_2257delAAAG (NM_032043.2); short protein forms K752fs.
Identifiers: ClinVar variation 2502277 (VCV002502277.3), dbSNP rs2544835648, ClinGen allele CA2580613196.
Genomic context (GRCh38, chr17:61,744,431, plus strand): 5'-TACCTTCTTACTTTGTAATAAAAAATATTTTTTCACCGACCATGAAATAATTTCCAGTTA[CCTTT>C]CTCTCCTTTGTATTTGATTGCGTCATAGTACACCTGCAGTAATTCATCAAAATTTGTTTT-3'